The following is an entry in ClinVar:

NM_000414.4(HSD17B4):c.2138G>A (p.Arg713Lys)

Gene: HSD17B4 (hydroxysteroid 17-beta dehydrogenase 4; plus strand). Cytogenetic location: 5q23.1.
Variant type: single nucleotide variant.
Coding change: c.2138G>A on transcript NM_000414.4 (MANE Select); coding-DNA position 2138, G replaced by A.
Protein change: p.Arg713Lys; replaces arginine 713 with lysine.
Molecular consequence: missense variant. On other transcripts: non-coding transcript variant (2).
Genome position (GRCh38, 1-based): chr5:119,541,921, G>A. VCF-style: chr5-119541921-G-A. GRCh37 (hg19) VCF-style: chr5-118877616-G-A.
Other names: c.2138G>A (NM_000414.3); c.2213G>A, p.Arg738Lys (NM_001199291.3); c.2084G>A, p.Arg695Lys (NM_001199292.2); c.2066G>A, p.Arg689Lys (NM_001292027.2, NM_001374498.1); c.1718G>A, p.Arg573Lys (NM_001292028.2); c.2129G>A, p.Arg710Lys (NM_001374497.1); c.1811G>A, p.Arg604Lys (NM_001374499.1); c.1697G>A, p.Arg566Lys (NM_001374500.1); and 1 more; short protein forms R566K, R573K, R576K, R604K, R689K, R695K, R710K, R713K.
Identifiers: ClinVar variation 1012734 (VCV001012734.40), dbSNP rs149776885, ClinGen allele CA3382532.

ClinVar aggregate classification (germline): Uncertain significance. Review status: criteria provided, multiple submitters, no conflicts (2 of 4 stars). 3 submissions from 3 submitters: Uncertain significance (3). Last evaluated 2023-12-21.

Conditions:
Inborn genetic diseases. Identifiers: MedGen C0950123, MeSH D030342.
Bifunctional peroxisomal enzyme deficiency (DBIF). Also called: D-bifunctional protein deficiency; DBP DEFICIENCY; PBFE DEFICIENCY. Identifiers: Orphanet 300, MedGen C0342870, MONDO:0009855, OMIM 261515. Disease mechanism: loss of function.
Perrault syndrome. Also called: Gonadal dysgenesis with auditory dysfunction, autosomal recessive inheritance. Identifiers: Orphanet 2855, MedGen C0685838, MONDO:0017312.

Allele frequency attached by ClinVar (database versions not stated): gnomAD 0.00001 and 0.00002; gnomAD exomes 0.00002 and 0.00004; TOPMed 0.00003; ExAC 0.00004; ESP Exome Variant Server 0.00015.
gnomAD v4.1: 32 of 1,611,764 alleles (0.002%); highest among the groups gnomAD compares: Middle Eastern, 0.016%; no homozygotes.

Submissions (3):

Ambry Genetics
Classification: Uncertain significance for Inborn genetic diseases. Last evaluated: 2023-12-21. Review status: criteria provided, single submitter. Criteria: Ambry Variant Classification Scheme 2023. Collection method: clinical testing. Allele origin: germline.

Labcorp Genetics (formerly Invitae), Labcorp
Classification: Uncertain significance for Perrault syndrome; Bifunctional peroxisomal enzyme deficiency. Last evaluated: 2022-04-09. Review status: criteria provided, single submitter. Criteria: Invitae Variant Classification Sherloc (09022015). Collection method: clinical testing. Allele origin: germline.
Comment: This sequence change replaces arginine, which is basic and polar, with lysine, which is basic and polar, at codon 713 of the HSD17B4 protein (p.Arg713Lys). This variant is present in population databases (rs149776885, gnomAD 0.006%). This variant has not been reported in the literature in individuals affected with HSD17B4-related conditions. ClinVar contains an entry for this variant (Variation ID: 1012734). Advanced modeling of protein sequence and biophysical properties (such as structural, functional, and spatial information, amino acid conservation, physicochemical variation, residue mobility, and thermodynamic stability) performed at Invitae indicates that this missense variant is not expected to disrupt HSD17B4 protein function. In summary, the available evidence is currently insufficient to determine the role of this variant in disease. Therefore, it has been classified as a Variant of Uncertain Significance.

CeGaT Center for Human Genetics Tuebingen
Classification: Uncertain significance. Last evaluated: 2020-07-01. Review status: criteria provided, single submitter. Criteria: CeGaT Center For Human Genetics Tuebingen Variant Classification Criteria Version 2. Collection method: clinical testing. Allele origin: germline. Affected: yes. Observed: 1 variant allele.